The following is an entry in ClinVar:

NM_000463.3(UGT1A1):c.596C>G (p.Ser199Cys)

Genes: UGT1A1 (UDP glucuronosyltransferase family 1 member A1; plus strand), UGT1A10 (UDP glucuronosyltransferase family 1 member A10; plus strand), UGT1A3 (UDP glucuronosyltransferase family 1 member A3; plus strand), UGT1A4 (UDP glucuronosyltransferase family 1 member A4; plus strand), UGT1A (UDP glucuronosyltransferase family 1 member A complex locus; plus strand) and 5 more. Cytogenetic location: 2q37.1.
Variant type: single nucleotide variant.
Coding change: c.596C>G on transcript NM_000463.3 (MANE Select); coding-DNA position 596, C replaced by G.
Protein change: p.Ser199Cys; replaces serine 199 with cysteine.
Molecular consequence: missense variant. On other transcripts: intron variant (9).
Genome position (GRCh38, 1-based): chr2:233,760,883, C>G. VCF-style: chr2-233760883-C-G. GRCh37 (hg19) VCF-style: chr2-234669529-C-G.
Other names: c.856-6151C>G (NM_019076.5, NM_019075.4, NM_021027.3 and 1 more transcripts); c.61-6151C>G (NM_205862.3); c.862-6151C>G (NM_001072.4); c.868-6151C>G (NM_019078.2, NM_007120.3, NM_019093.4); short protein forms S199C.
Identifiers: ClinVar variation 2228156 (VCV002228156.4), dbSNP rs550460320, ClinGen allele CA351067323.

ClinVar aggregate classification (germline): Uncertain significance. Review status: criteria provided, multiple submitters, no conflicts (2 of 4 stars). 2 submissions from 2 submitters: Uncertain significance (2). Last evaluated 2020-12-10.

Conditions:
BILIRUBIN, SERUM LEVEL OF, QUANTITATIVE TRAIT LOCUS 1 (BILIQTL1). Identifiers: MedGen C1866173, OMIM 601816.
Gilbert syndrome. Also called: HYPERBILIRUBINEMIA I; HYPERBILIRUBINEMIA, ARIAS TYPE; HYPERBILIRUBINEMIA, GILBERT TYPE; Gilbert's syndrome; Gilbert Disease. Identifiers: MedGen C0017551, MONDO:0007745, OMIM 143500.
Crigler-Najjar syndrome type 1. Also called: HYPERBILIRUBINEMIA, CRIGLER-NAJJAR TYPE I. Identifiers: Orphanet 79234, MedGen C0010324, MONDO:0021020, OMIM 218800.
Crigler-Najjar syndrome, type II. Also called: Crigler Najjar syndrome, type 2; Mutation in the UDP-glucuronosyl-transferase gene; HYPERBILIRUBINEMIA, CRIGLER-NAJJAR TYPE II. Identifiers: Orphanet 205, Orphanet 79235, MedGen C2931132, MONDO:0011725, OMIM 606785.
Lucey-Driscoll syndrome (HBLRTFN). Also called: Transient familial neonatal hyperbilirubinemia. Identifiers: Orphanet 2312, MedGen C0270210, MONDO:0009383, OMIM 237900.
Inborn genetic diseases. Identifiers: MedGen C0950123, MeSH D030342.

Allele frequency attached by ClinVar (database versions not stated): TOPMed 0.00003.
gnomAD v4.1: 4 of 1,614,168 alleles (0.00025%); highest among the groups gnomAD compares: East Asian, 0.0067%; no homozygotes.

Submissions (2):

Ambry Genetics
Classification: Uncertain significance for Inborn genetic diseases. Last evaluated: 2020-12-10. Review status: criteria provided, single submitter. Criteria: Ambry Variant Classification Scheme 2023. Collection method: clinical testing. Allele origin: germline.
Comment: The c.596C>G (p.S199C) alteration is located in exon 1 (coding exon 1) of the UGT1A1 gene. This alteration results from a C to G substitution at nucleotide position 596, causing the serine (S) at amino acid position 199 to be replaced by a cysteine (C). This variant was identified in one healthy individual with elevated serum bilirubin levels (Chen, 2014). The p.S199C alteration is predicted to be tolerated by in silico analysis. Based on insufficient or conflicting evidence, the clinical significance of this alteration remains unclear.

Juno Genomics, Hangzhou Juno Genomics, Inc
Classification: Uncertain significance for BILIRUBIN, SERUM LEVEL OF, QUANTITATIVE TRAIT LOCUS 1; Gilbert syndrome; Crigler-Najjar syndrome type 1; Crigler-Najjar syndrome, type II; Lucey-Driscoll syndrome. Review status: criteria provided, single submitter. Criteria: ACMG Guidelines, 2015. Collection method: clinical testing. Allele origin: germline.
Comment: Absent from controls (or at extremely low frequency if recessive) in Genome Aggregation Database.;Multiple lines of computational evidence suggest no impact on gene or gene product.;Patient's phenotype or family history is highly specific for a disease with a single genetic etiology.

Literature cited by the submitters: PubMed 25200497 (cited by Ambry Genetics).